The following is an entry in ClinVar:

NM_001128178.3(NPHP1):c.1666G>T (p.Ala556Ser)

Gene: NPHP1 (nephrocystin 1; minus strand). Cytogenetic location: 2q13.
Variant type: single nucleotide variant.
Coding change: c.1666G>T on transcript NM_001128178.3 (MANE Select); coding-DNA position 1666, G replaced by T.
Protein change: p.Ala556Ser; replaces alanine 556 with serine.
Molecular consequence: missense variant.
Genome position (GRCh38, 1-based): chr2:110,129,236, C>A on the plus strand (G>T on the coding strand, the complement: NPHP1 is on the minus strand). VCF-style: chr2-110129236-C-A. GRCh37 (hg19) VCF-style: chr2-110886813-C-A.
Other names: c.1834G>T, p.Ala612Ser (NM_000272.5); c.1477G>T, p.Ala493Ser (NM_001128179.3); c.1663G>T, p.Ala555Ser (NM_001374256.1); c.1666G>T, p.Ala556Ser (NM_001374257.1); c.1831G>T, p.Ala611Ser (NM_207181.4); c.1834G>T (NM_000272.4); short protein forms A493S, A555S, A612S, A556S, A611S.
Identifiers: ClinVar variation 963737 (VCV000963737.13), dbSNP rs746510153, ClinGen allele CA348086870.

ClinVar aggregate classification (germline): Uncertain significance. Review status: criteria provided, multiple submitters, no conflicts (2 of 4 stars). 5 submissions from 5 submitters: Uncertain significance (5). Last evaluated 2026-02-27.

Conditions:
Nephronophthisis 1 (NPHP1). Also called: Nephronophthisis familial juvenile. Identifiers: Orphanet 655, Orphanet 93592, MedGen C1855681, MONDO:0009728, OMIM 256100.
Senior-Loken syndrome 1 (SLSN1). Also called: JUVENILE NEPHRONOPHTHISIS WITH LEBER AMAUROSIS. Identifiers: Orphanet 3156, MedGen C4551559, MONDO:0009962, OMIM 266900.
Joubert syndrome with renal defect. Also called: JOUBERT SYNDROME 4. Identifiers: Orphanet 220497, MedGen C1846790, MONDO:0012308, OMIM 609583.
Nephronophthisis. Also called: Juvenile Nephronophthisis. Identifiers: Orphanet 655, MedGen C0687120, MONDO:0019005, HP:0000090.
NPHP1-related disorder. Also called: NPHP1-related disorders; NPHP1-related condition.

Allele frequency attached by ClinVar (database versions not stated): TOPMed below 0.00001.
gnomAD v4.1: 6 of 1,613,438 alleles (0.00037%); highest among the groups gnomAD compares: East Asian, 0.0045%; no homozygotes.

Submissions (5):

PreventionGenetics, part of Exact Sciences
Classification: Uncertain significance for NPHP1-related condition. Last evaluated: 2026-02-27. Review status: criteria provided, single submitter. Criteria: ACMG Guidelines, 2015. Collection method: clinical testing. Allele origin: germline.
Comment: The NPHP1 c.1834G>T variant is predicted to result in the amino acid substitution p.Ala612Ser. To our knowledge, this variant has not been reported in the literature or in a large population database (gnomAD), indicating this variant is rare. At this time, the clinical significance of this variant is uncertain due to the absence of conclusive functional and genetic evidence.

Fulgent Genetics
Classification: Uncertain significance for Nephronophthisis 1; Senior-Loken syndrome 1; Joubert syndrome with renal defect. Last evaluated: 2024-06-17. Review status: criteria provided, single submitter. Criteria: ACMG Guidelines, 2015. Collection method: clinical testing. Allele origin: germline.

GeneDx
Classification: Uncertain significance. Last evaluated: 2024-03-12. Review status: criteria provided, single submitter. Criteria: GeneDx Variant Classification Process June 2021. Collection method: clinical testing. Allele origin: germline. Affected: yes.
Comment: Not observed at significant frequency in large population cohorts (gnomAD); In silico analysis supports that this missense variant does not alter protein structure/function; Has not been previously published as pathogenic or benign to our knowledge

Labcorp Genetics (formerly Invitae), Labcorp
Classification: Uncertain significance for Nephronophthisis. Last evaluated: 2022-10-04. Review status: criteria provided, single submitter. Criteria: Invitae Variant Classification Sherloc (09022015). Collection method: clinical testing. Allele origin: germline.
Comment: This sequence change replaces alanine, which is neutral and non-polar, with serine, which is neutral and polar, at codon 612 of the NPHP1 protein (p.Ala612Ser). This variant is not present in population databases (gnomAD no frequency). This variant has not been reported in the literature in individuals affected with NPHP1-related conditions. ClinVar contains an entry for this variant (Variation ID: 963737). Advanced modeling of protein sequence and biophysical properties (such as structural, functional, and spatial information, amino acid conservation, physicochemical variation, residue mobility, and thermodynamic stability) performed at Invitae indicates that this missense variant is not expected to disrupt NPHP1 protein function. In summary, the available evidence is currently insufficient to determine the role of this variant in disease. Therefore, it has been classified as a Variant of Uncertain Significance.

Blueprint Genetics
Classification: Uncertain significance. Last evaluated: 2022-09-01. Review status: criteria provided, single submitter. Criteria: ACMG Guidelines, 2015. Collection method: clinical testing. Allele origin: germline.